The following is an entry in ClinVar:

ClinVar aggregate classification (germline): Pathogenic (1 of 4 stars; one submission).

Submission:

Labcorp Genetics (formerly Invitae), Labcorp
Classification: Pathogenic. Last evaluated: 2020-09-11. Review status: criteria provided, single submitter. Criteria: Invitae Variant Classification Sherloc (09022015). Collection method: clinical testing. Allele origin: germline.
Comment: This variant is a gross deletion of the genomic region encompassing exon(s) 3-6 of the HPS1 gene, which includes the initiator codon. The 5' end of this event is unknown as it extends beyond the assayed region for this gene and therefore may encompass additional genes. The 3' boundary is likely confined to intron 6 of the HPS1 gene. This is expected to result in an absent or disrupted protein product. This variant has not been reported in the literature in individuals with HPS1-related conditions. Loss-of-function variants in HPS1 are known to be pathogenic (PMID: 12442288, 16185271). For these reasons, this variant has been classified as Pathogenic.

Literature cited by the submitters: PubMed 12442288; PubMed 16185271.

NC_000010.10:g.(?_100193687)_(100203007_?)del

Gene: HPS1 (HPS1 biogenesis of lysosomal organelles complex 3 subunit 1; minus strand). Cytogenetic location: 10q24.2.
Variant type: Deletion.
Identifiers: ClinVar variation 1068594 (VCV001068594.5).